The following is an entry in ClinVar:

NM_058216.3(RAD51C):c.395C>G (p.Thr132Arg)

Gene: RAD51C (RAD51 paralog C; plus strand). Cytogenetic location: 17q22.
Variant type: single nucleotide variant.
Coding change: c.395C>G on transcript NM_058216.3 (MANE Select); coding-DNA position 395, C replaced by G.
Protein change: p.Thr132Arg; replaces threonine 132 with arginine.
Molecular consequence: missense variant. On other transcripts: non-coding transcript variant (2).
Genome position (GRCh38, 1-based): chr17:58,695,180, C>G. VCF-style: chr17-58695180-C-G. GRCh37 (hg19) VCF-style: chr17-56772541-C-G.
Other names: p.T132R:ACA>AGA; c.395C>G, p.Thr132Arg (NM_002876.4); short protein forms T132R.
Identifiers: ClinVar variation 182834 (VCV000182834.25), dbSNP rs730881930, ClinGen allele CA299882.

ClinVar aggregate classification (germline): Conflicting classifications of pathogenicity. Review status: criteria provided, conflicting classifications (1 of 4 stars). 10 submissions from 10 submitters: Likely pathogenic (4); Uncertain significance (6). Last evaluated 2026-08-07.

Conditions:
RAD51C-related disorder. Also called: RAD51C-related condition; RAD51C-related disorders.
Breast and/or ovarian cancer. Identifiers: MedGen CN221562.
Hereditary cancer-predisposing syndrome. Also called: Neoplastic Syndromes, Hereditary; Tumor predisposition; Hereditary neoplastic syndrome; Hereditary Cancer Syndrome. Identifiers: Orphanet 140162, MedGen C0027672, MeSH D009386, MONDO:0015356.
Fanconi anemia complementation group O. Also called: RAD51C-Related Fanconi Anemia. Identifiers: Orphanet 84, MedGen C3150653, MONDO:0013248, OMIM 613390.
Breast-ovarian cancer, familial, susceptibility to, 3. Also called: RAD51C-Related Breast/Ovarian Cancer. Identifiers: Orphanet 145, MedGen C3150659, MONDO:0013253, OMIM 613399.

Allele frequency attached by ClinVar (database versions not stated): gnomAD exomes below 0.00001.

Submissions (10):

PreventionGenetics, part of Exact Sciences
Classification: Likely pathogenic for RAD51C-related condition. Last evaluated: 2026-08-07. Review status: criteria provided, single submitter. Criteria: ACMG Guidelines, 2015. Collection method: clinical testing. Allele origin: germline.
Comment: The RAD51C c.395C>G variant is predicted to result in the amino acid substitution p.Thr132Arg. This variant has been reported in an individual with ovarian cancer and multiple experimental studies showed altered RAD51C function (Hu et al. 2023. PubMed ID: 37253112; Sullivan et al. 2021. PubMed ID: 33832919; Table S1 and S2, Olvera-León et al. 2024. PubMed ID: 39299233). Additional alterations at this amino acid position (Thr132Pro and Thr132Ile) have had multiple experimental studies performed which showed impacted RAD51C function supporting that this amino acid which is located in the Walker A nucleotide binding motif is important for protein function (Figure 3D, Olvera-León et al. 2024. PubMed ID: 39299233). This variant has not been reported in a large population database (gnomAD), indicating this variant is rare and has conflicting interpretations in ClinVar ranging from likely pathogenic to uncertain significance (Variation ID: 182834). Taken together, this variant is classified as likely pathogenic.

Variantyx, Inc.
Classification: Likely pathogenic for Breast-ovarian cancer, familial, susceptibility to, 3. Last evaluated: 2025-12-26. Review status: criteria provided, single submitter. Criteria: Variantyx Assertion Criteria 2022. Collection method: clinical testing. Allele origin: germline. Inheritance: Autosomal dominant inheritance. Affected: no.
Comment: This is a nonsynonymous variant in the RAD51C gene (OMIM: 602774).Pathogenic variants in this gene have been associated with autosmal dominant susceptibility to breast-ovarian cancer 3. Functional studies have shown that this variant impairs RAD51C protein function (PMID: 37253112) (PS3_Moderate), and an alternate amino acid change at this position (p.Thr132Pro) has been previously reported in a similarly affected individual (PMID:33832919), which suggests that this residue is biologically important (PM5). Moreover, multiple computational algorithms predict a deleterious effect for this variant (REVEL score: 0.888) (PP3). This variant has a 0.0003% maximum allele frequency in non-founder control populations (PM2). Based on the current evidence, this variant is classified as likely pathogenic for autosomal dominant susceptibility to breast-ovarian cancer 3.

Ambry Genetics
Classification: Likely pathogenic for Hereditary cancer-predisposing syndrome. Last evaluated: 2025-09-03. Review status: criteria provided, single submitter. Criteria: Ambry Variant Classification Scheme 2023. Collection method: clinical testing. Allele origin: germline.
Comment: The p.T132R variant (also known as c.395C>G), located in coding exon 2 of the RAD51C gene, results from a C to G substitution at nucleotide position 395. The threonine at codon 132 is replaced by arginine, an amino acid with similar properties. This amino acid position is highly conserved in available vertebrate species. In addition, this alteration is predicted to be deleterious by in silico analysis. In multiple assays testing RAD51C function, this alteration showed an abnormal read-out (Hu C et al. Cancer Res, 2023 Aug;83:2557-2571; Olvera-Le&oacute;n R et al Cell 2024 Oct;187(20):5719-5734.e19). This variant is considered to be rare based on population cohorts in the Genome Aggregation Database (gnomAD). Based on the majority of available evidence to date, this variant is likely to be pathogenic.

Quest Diagnostics Nichols Institute San Juan Capistrano
Classification: Uncertain significance. Last evaluated: 2024-05-27. Review status: criteria provided, single submitter. Criteria: Quest Diagnostics criteria. Collection method: clinical testing. Allele origin: unknown.
Comment: The RAD51C c.395C>G (p.Thr132Arg) variant has been reported with functional evidence that suggests that this variant may impact protein function (PMID: 37253112 (2023)). This variant has not been reported in large, multi-ethnic general populations (Genome Aggregation Database). Analysis of this variant using bioinformatics tools for the prediction of the effect of amino acid changes on protein structure and function yielded predictions that this variant is damaging. Based on the available information, we are unable to determine the clinical significance of this variant.

Color Diagnostics, LLC DBA Color Health
Classification: Uncertain significance for Hereditary cancer-predisposing syndrome. Last evaluated: 2024-05-17. Review status: criteria provided, single submitter. Criteria: ACMG Guidelines, 2015. Collection method: clinical testing. Allele origin: germline.
Comment: This missense variant replaces threonine with arginine at codon 132 of the RAD51C protein in the conserved Walker A motif in the DNA binding domain of the RAD51C protein. The protein region containing the Walker A motif has been described as a mutation cluster and hotspot (residues 125-168) for deleterious missense variants defined in functional assays (PMID: 36099300, 37253112). Computational prediction suggests that this variant may have deleterious impact on protein structure and function. A functional study has reported that this variant severely disrupted RAD51C function in homology-directed DNA repair, RAD51 foci formation, binding to RecA paralogs, sensitivity to cisplatin and PARP inhibitor and additional assays (PMID: 37253112). To our knowledge, this variant has not been reported in individuals affected with RAD51C-related disorders in the literature. A different missense variant at this codon, p.Thr132Pro, has been reported in an individual affected with serous primary peritoneal carcinoma (PMID: 33832919). This variant has not been identified in the general population by the Genome Aggregation Database (gnomAD). Although there is a suspicion that this variant may be associated with disease, additional clinical studies are necessary to determine the role of this variant in disease conclusively. Therefore, this variant is classified as a Variant of Uncertain Significance.

Myriad Genetics, Inc.
Classification: Likely pathogenic for Breast-ovarian cancer, familial, susceptibility to, 3. Last evaluated: 2024-02-09. Review status: criteria provided, single submitter. Criteria: Myriad Autosomal Dominant, Autosomal Recessive and X-Linked Classification Criteria (2023). Collection method: clinical testing. Allele origin: unknown.
Comment: This variant is considered likely pathogenic. Functional studies indicate this variant impacts protein function [PMID: 37253112]. This variant is expected to disrupt protein structure [Myriad internal data].

Labcorp Genetics (formerly Invitae), Labcorp
Classification: Uncertain significance for Fanconi anemia complementation group O. Last evaluated: 2023-12-07. Review status: criteria provided, single submitter. Criteria: Invitae Variant Classification Sherloc (09022015). Collection method: clinical testing. Allele origin: germline.
Comment: This sequence change replaces threonine, which is neutral and polar, with arginine, which is basic and polar, at codon 132 of the RAD51C protein (p.Thr132Arg). This variant is not present in population databases (gnomAD no frequency). This variant has not been reported in the literature in individuals affected with RAD51C-related conditions. ClinVar contains an entry for this variant (Variation ID: 182834). Advanced modeling of protein sequence and biophysical properties (such as structural, functional, and spatial information, amino acid conservation, physicochemical variation, residue mobility, and thermodynamic stability) performed at Invitae indicates that this missense variant is expected to disrupt RAD51C protein function with a positive predictive value of 80%. In summary, the available evidence is currently insufficient to determine the role of this variant in disease. Therefore, it has been classified as a Variant of Uncertain Significance.

Baylor Genetics
Classification: Uncertain significance for Breast-ovarian cancer, familial, susceptibility to, 3. Last evaluated: 2023-10-10. Review status: criteria provided, single submitter. Criteria: ACMG Guidelines, 2015. Collection method: clinical testing. Allele origin: unknown.

CHEO Genetics Diagnostic Laboratory, Children's Hospital of Eastern Ontario
Classification: Uncertain significance for Breast and/or ovarian cancer. Last evaluated: 2019-11-06. Review status: criteria provided, single submitter. Criteria: ACMG Guidelines, 2015. Collection method: clinical testing. Allele origin: germline.

GeneDx
Classification: Uncertain significance. Last evaluated: 2016-11-29. Review status: criteria provided, single submitter. Criteria: GeneDx Variant Classification (06012015). Collection method: clinical testing. Allele origin: germline. Affected: yes.
Comment: This variant is denoted RAD51C c.395C>G at the cDNA level, p.Thr132Arg (T132R) at the protein level, and results in the change of a Threonine to an Arginine (ACA>AGA). This variant has not, to our knowledge, been published in the literature as pathogenic or benign. RAD51C Thr132Arg was not observed in approximately 6,500 individuals of European and African American ancestry in the NHLBI Exome Sequencing Project, suggesting it is not a common benign variant in these populations. Since Threonine and Arginine differ in some properties, this is considered a semi-conservative amino acid substitution. RAD51C Thr132Arg occurs at a position that is conserved across species and is located within an ATPase motif and the region of interaction with RAD51B, RAD51D, and XRCC3 (French 2003, Miller 2004). In silico analyses predict that this variant is probably damaging to protein structure and function. Based on currently available information, it is unclear whether RAD51C Thr132Arg is pathogenic or benign. We consider it to be a variant of uncertain significance.

Literature cited by the submitters: PubMed 37253112 (cited by 4 submitters); PubMed 33832919 (cited by Variantyx, Inc. and Color Diagnostics, LLC DBA Color Health); PubMed 39299233 (cited by Ambry Genetics); PubMed 36099300 (cited by Color Diagnostics, LLC DBA Color Health).